The following is an entry in ClinVar:

ClinVar aggregate classification (germline): Uncertain significance (1 of 4 stars; one submission).

Conditions:
Hereditary cancer-predisposing syndrome. Also called: Tumor predisposition; Neoplastic Syndromes, Hereditary; Hereditary neoplastic syndrome; Hereditary Cancer Syndrome. Identifiers: Orphanet 140162, MedGen C0027672, MeSH D009386, MONDO:0015356.

Submission:

Ambry Genetics
Classification: Uncertain significance for Hereditary cancer-predisposing syndrome. Last evaluated: 2024-11-26. Review status: criteria provided, single submitter. Criteria: Ambry Variant Classification Scheme 2023. Collection method: clinical testing. Allele origin: germline.
Comment: The p.C718W variant (also known as c.2154T>G), located in coding exon 13 of the ATM gene, results from a T to G substitution at nucleotide position 2154. The cysteine at codon 718 is replaced by tryptophan, an amino acid with highly dissimilar properties. This amino acid position is conserved. In addition, this alteration is predicted to be deleterious by in silico analysis. Based on the available evidence, the clinical significance of this variant remains unclear.

NM_000051.4(ATM):c.2154T>G (p.Cys718Trp)

Gene: ATM (ATM serine/threonine kinase; plus strand). Cytogenetic location: 11q22.3.
Variant type: single nucleotide variant.
Coding change: c.2154T>G on transcript NM_000051.4 (MANE Select); coding-DNA position 2154, T replaced by G.
Protein change: p.Cys718Trp; replaces cysteine 718 with tryptophan.
Molecular consequence: missense variant.
Genome position (GRCh38, 1-based): chr11:108,256,244, T>G. VCF-style: chr11-108256244-T-G. GRCh37 (hg19) VCF-style: chr11-108126971-T-G.
Other names: c.2154T>G, p.Cys718Trp (NM_001351834.2); short protein forms C718W.
Identifiers: ClinVar variation 3452946 (VCV003452946.1).